The following is an entry in ClinVar:

ClinVar aggregate classification (germline): Uncertain significance (1 of 4 stars; one submission).

Conditions:
Multiple endocrine neoplasia, type 2 (MEN2). Identifiers: Orphanet 653, MedGen C4048306, MONDO:0019003. Disease mechanism: gain of function.

Submission:

Labcorp Genetics (formerly Invitae), Labcorp
Classification: Uncertain significance for Multiple endocrine neoplasia, type 2. Last evaluated: 2024-04-04. Review status: criteria provided, single submitter. Criteria: Invitae Variant Classification Sherloc (09022015). Collection method: clinical testing. Allele origin: germline.
Comment: This sequence change replaces glutamine, which is neutral and polar, with glutamic acid, which is acidic and polar, at codon 495 of the RET protein (p.Gln495Glu). This variant is not present in population databases (gnomAD no frequency). This variant has not been reported in the literature in individuals affected with RET-related conditions. An algorithm developed to predict the effect of missense changes on protein structure and function (PolyPhen-2) suggests that this variant is likely to be tolerated. In summary, the available evidence is currently insufficient to determine the role of this variant in disease. Therefore, it has been classified as a Variant of Uncertain Significance.

NM_020975.6(RET):c.1483C>G (p.Gln495Glu)

Gene: RET (ret proto-oncogene; plus strand). Cytogenetic location: 10q11.21.
Variant type: single nucleotide variant.
Coding change: c.1483C>G on transcript NM_020975.6 (MANE Select); coding-DNA position 1483, C replaced by G.
Protein change: p.Gln495Glu; replaces glutamine 495 with glutamic acid.
Molecular consequence: missense variant. On other transcripts: intron variant (15).
Genome position (GRCh38, 1-based): chr10:43,111,426, C>G. VCF-style: chr10-43111426-C-G. GRCh37 (hg19) VCF-style: chr10-43606874-C-G.
Other names: c.757C>G, p.Gln253Glu (NM_001406775.1, NM_001406776.1, NM_001406777.1 and 1 more transcripts); c.493C>G, p.Gln165Glu (NM_001406784.1); c.1483C>G, p.Gln495Glu (NM_020630.7, NM_001406743.1, NM_001406744.1 and 4 more transcripts); c.721C>G, p.Gln241Glu (NM_001355216.2); c.1354C>G, p.Gln452Glu (NM_001406761.1, NM_001406762.1, NM_001406764.1 and 1 more transcripts); c.74-673C>G (NM_001406793.1, NM_001406794.1, NM_001406792.1); c.1195C>G, p.Gln399Glu (NM_001406766.1, NM_001406767.1, NM_001406770.1); c.1087C>G, p.Gln363Glu (NM_001406769.1, NM_001406772.1); and 5 more; short protein forms Q241E, Q363E, Q399E, Q452E, Q495E, Q165E, Q253E, Q320E.
Identifiers: ClinVar variation 3648775 (VCV003648775.2).
Genomic context (GRCh38, chr10:43,111,426, plus strand): 5'-CGGCCCAAGTGTGCCGAACTTCACTACATGGTGGTGGCCACCGACCAGCAGACCTCTAGG[C>G]AGGCCCAGGCCCAGCTGCTTGTAACAGTGGAGGGGTCATGTGAGTGCCTGCTCCAGGGAG-3'
Protein context (NP_066124.1, residues 485-505): VVATDQQTSR[Gln495Glu]AQAQLLVTVE